The following is an entry in ClinVar:

ClinVar aggregate classification (germline): Pathogenic (1 of 4 stars; one submission).

Conditions:
Beta-D-mannosidosis (MANSB). Also called: MANNOSIDOSIS, BETA A, LYSOSOMAL; BETA-MANNOSIDASE DEFICIENCY; LYSOSOMAL BETA-MANNOSIDASE DEFICIENCY; Beta-Mannosidosis. Identifiers: Orphanet 118, MedGen C4048196, MONDO:0009562, OMIM 248510.

Submission:

Labcorp Genetics (formerly Invitae), Labcorp
Classification: Pathogenic for Beta-D-mannosidosis. Last evaluated: 2023-01-31. Review status: criteria provided, single submitter. Criteria: Invitae Variant Classification Sherloc (09022015). Collection method: clinical testing. Allele origin: germline.
Comment: This sequence change creates a premature translational stop signal (p.Cys748*) in the MANBA gene. It is expected to result in an absent or disrupted protein product. Loss-of-function variants in MANBA are known to be pathogenic (PMID: 9384606, 12468273). This variant is not present in population databases (gnomAD no frequency). This variant has not been reported in the literature in individuals affected with MANBA-related conditions. For these reasons, this variant has been classified as Pathogenic.

Literature cited by the submitters: PubMed 9384606; PubMed 12468273.

NM_005908.4(MANBA):c.2244C>A (p.Cys748Ter)

Gene: MANBA (mannosidase beta; minus strand). Cytogenetic location: 4q24.
Variant type: single nucleotide variant.
Coding change: c.2244C>A on transcript NM_005908.4 (MANE Select); coding-DNA position 2244, C replaced by A.
Protein change: p.Cys748Ter; replaces cysteine 748 with a stop codon.
Molecular consequence: nonsense.
Genome position (GRCh38, 1-based): chr4:102,634,959, G>T on the plus strand (C>A on the coding strand, the complement: MANBA is on the minus strand). VCF-style: chr4-102634959-G-T. GRCh37 (hg19) VCF-style: chr4-103556116-G-T.
Other names: short protein forms C748*.
Identifiers: ClinVar variation 2833150 (VCV002833150.3), dbSNP rs1729554501, ClinGen allele CA357756910.
Genomic context (GRCh38, chr4:102,634,959, plus strand): 5'-GCTTTCCCGTGTGCAATTCCCACATCTCCTCAGCAATTCAGACACTGGCTCCTCATAAAG[G>T]CAGACAGCCTCTCCTCCTTTCATCACAAAACGTTCAGTCACACGAGAGCACACGGGCTCC-3'